The following is an entry in ClinVar:

NM_032409.3(PINK1):c.488G>A (p.Gly163Asp)

Gene: PINK1 (PTEN induced kinase 1; plus strand). Cytogenetic location: 1p36.12.
Variant type: single nucleotide variant.
Coding change: c.488G>A on transcript NM_032409.3 (MANE Select); coding-DNA position 488, G replaced by A.
Protein change: p.Gly163Asp; replaces glycine 163 with aspartic acid.
Molecular consequence: missense variant.
Genome position (GRCh38, 1-based): chr1:20,637,942, G>A. VCF-style: chr1-20637942-G-A. GRCh37 (hg19) VCF-style: chr1-20964435-G-A.
Other names: c.488G>A (NM_032409.2); short protein forms G163D.
Identifiers: ClinVar variation 1040371 (VCV001040371.10), dbSNP rs1252036117, ClinGen allele CA338856725.

ClinVar aggregate classification (germline): Uncertain significance. Review status: criteria provided, multiple submitters, no conflicts (2 of 4 stars). 2 submissions from 2 submitters: Uncertain significance (2). Last evaluated 2024-09-08.

Conditions:
Autosomal recessive early-onset Parkinson disease 6 (PARK6). Also called: PARKINSON DISEASE 6, MODIFIER OF; PARKINSON DISEASE 6, EARLY-ONSET; PINK1-Related Parkinson Disease; PINK1 Type of Young-Onset Parkinson Disease. Identifiers: Orphanet 2828, MedGen C1853833, MONDO:0011613, OMIM 605909.
Inborn genetic diseases. Identifiers: MedGen C0950123, MeSH D030342.

Allele frequency attached by ClinVar (database versions not stated): gnomAD exomes below 0.00001; gnomAD 0.00001; TOPMed 0.00001.

Submissions (2):

Ambry Genetics
Classification: Uncertain significance for Inborn genetic diseases. Last evaluated: 2024-09-08. Review status: criteria provided, single submitter. Criteria: Ambry Variant Classification Scheme 2023. Collection method: clinical testing. Allele origin: germline.

Labcorp Genetics (formerly Invitae), Labcorp
Classification: Uncertain significance for Autosomal recessive early-onset Parkinson disease 6. Last evaluated: 2022-05-06. Review status: criteria provided, single submitter. Criteria: Invitae Variant Classification Sherloc (09022015). Collection method: clinical testing. Allele origin: germline.
Comment: Algorithms developed to predict the effect of sequence changes on RNA splicing suggest that this variant may disrupt the consensus splice site. In summary, the available evidence is currently insufficient to determine the role of this variant in disease. Therefore, it has been classified as a Variant of Uncertain Significance. Algorithms developed to predict the effect of missense changes on protein structure and function are either unavailable or do not agree on the potential impact of this missense change (SIFT: "Deleterious"; PolyPhen-2: "Probably Damaging"; Align-GVGD: "Class C15"). ClinVar contains an entry for this variant (Variation ID: 1040371). This variant has not been reported in the literature in individuals affected with PINK1-related conditions. This variant is present in population databases (no rsID available, gnomAD 0.0009%). This sequence change replaces glycine, which is neutral and non-polar, with aspartic acid, which is acidic and polar, at codon 163 of the PINK1 protein (p.Gly163Asp).